The following is an entry in ClinVar:

ClinVar aggregate classification (germline): Uncertain significance (1 of 4 stars; one submission).

Submission:

Ambry Genetics
Classification: Uncertain significance. Last evaluated: 2021-08-15. Review status: criteria provided, single submitter. Criteria: Ambry Variant Classification Scheme 2023. Collection method: clinical testing. Allele origin: germline.
Comment: The p.S622A variant (also known as c.1864T>G), located in coding exon 12 of the POLQ gene, results from a T to G substitution at nucleotide position 1864. The serine at codon 622 is replaced by alanine, an amino acid with similar properties. This amino acid position is conserved. In addition, this alteration is predicted to be tolerated by in silico analysis. Since supporting evidence is limited at this time, the clinical significance of this alteration remains unclear.

NM_199420.4(POLQ):c.1864T>G (p.Ser622Ala)

Gene: POLQ (DNA polymerase theta; minus strand). Cytogenetic location: 3q13.33.
Variant type: single nucleotide variant.
Coding change: c.1864T>G on transcript NM_199420.4 (MANE Select); coding-DNA position 1864, T replaced by G.
Protein change: p.Ser622Ala; replaces serine 622 with alanine.
Molecular consequence: missense variant.
Genome position (GRCh38, 1-based): chr3:121,509,656, A>C on the plus strand (T>G on the coding strand, the complement: POLQ is on the minus strand). VCF-style: chr3-121509656-A-C. GRCh37 (hg19) VCF-style: chr3-121228503-A-C.
Other names: short protein forms S622A.
Identifiers: ClinVar variation 1781565 (VCV001781565.2), dbSNP rs2546802045, ClinGen allele CA354113790.